The following is an entry in ClinVar:

NM_001374353.1(GLI2):c.2437T>C (p.Phe813Leu)

Gene: GLI2 (GLI family zinc finger 2; plus strand). Cytogenetic location: 2q14.2.
Variant type: single nucleotide variant.
Coding change: c.2437T>C on transcript NM_001374353.1 (MANE Select); coding-DNA position 2437, T replaced by C.
Protein change: p.Phe813Leu; replaces phenylalanine 813 with leucine.
Molecular consequence: missense variant.
Genome position (GRCh38, 1-based): chr2:120,988,402, T>C. VCF-style: chr2-120988402-T-C. GRCh37 (hg19) VCF-style: chr2-121745978-T-C.
Other names: c.2488T>C, p.Phe830Leu (NM_001371271.1, NM_005270.5); c.2062T>C, p.Phe688Leu (NM_001374354.1); short protein forms F830L, F688L, F813L.
Identifiers: ClinVar variation 235325 (VCV000235325.17), dbSNP rs556743028, ClinGen allele CA1852234.

ClinVar aggregate classification (germline): Likely benign. Review status: criteria provided, multiple submitters, no conflicts (2 of 4 stars). 5 submissions from 5 submitters: Likely benign (4). 1 of the submissions does not count toward it. Last evaluated 2025-10-23.

Conditions:
GLI2-related disorder. Also called: GLI2-related condition; GLI2-related disorders.
Holoprosencephaly 9 (HPE9). Also called: PITUITARY ANOMALIES WITH HOLOPROSENCEPHALY-LIKE FEATURES; HOLOPROSENCEPHALY WITH MICROPHTHALMIA AND FIRST BRANCHIAL ARCH ANOMALIES. Identifiers: Orphanet 2162, MedGen C1835819, MONDO:0012563, OMIM 610829.
Postaxial polydactyly-anterior pituitary anomalies-facial dysmorphism syndrome. Also called: Culler-Jones syndrome. Identifiers: Orphanet 420584, MedGen C4014479, MONDO:0014369, OMIM 615849.

Allele frequency attached by ClinVar (database versions not stated): gnomAD exomes 0.00013; ExAC 0.00026; 1000 Genomes Project 30x 0.00047; 1000 Genomes Project 0.00060; gnomAD 0.00094 and 0.00106; TOPMed 0.00126.
gnomAD v4.1: 258 of 1,571,472 alleles (0.016%); highest among the groups gnomAD compares: African/African-American, 0.26%; no homozygotes.

Submissions (5):

Labcorp Genetics (formerly Invitae), Labcorp
Classification: Likely benign for Postaxial polydactyly-anterior pituitary anomalies-facial dysmorphism syndrome; Holoprosencephaly 9. Last evaluated: 2025-10-23. Review status: criteria provided, single submitter. Criteria: Invitae Variant Classification Sherloc (09022015). Collection method: clinical testing. Allele origin: germline.

Blueprint Genetics
Classification: Likely benign. Last evaluated: 2024-11-25. Review status: criteria provided, single submitter. Criteria: ACMG Guidelines, 2015. Collection method: clinical testing. Allele origin: germline.

Fulgent Genetics
Classification: Likely benign for Holoprosencephaly 9; Postaxial polydactyly-anterior pituitary anomalies-facial dysmorphism syndrome. Last evaluated: 2022-04-01. Review status: criteria provided, single submitter. Criteria: ACMG Guidelines, 2015. Collection method: clinical testing. Allele origin: unknown.

Center for Pediatric Genomic Medicine, Children's Mercy Hospital and Clinics
Classification: Likely benign. Last evaluated: 2016-04-25. Review status: criteria provided, single submitter. Criteria: ACMG Guidelines, 2015. Collection method: clinical testing. Allele origin: germline.
ClinVar note: Converted during submission from Likely Benign to Likely benign.

PreventionGenetics, part of Exact Sciences
Classification: Likely benign for GLI2-related condition. Last evaluated: 2019-10-02. Review status: no assertion criteria provided. Collection method: clinical testing. Allele origin: germline. Not counted in ClinVar's aggregate classification.
Comment: This variant is classified as likely benign based on ACMG/AMP sequence variant interpretation guidelines (Richards et al. 2015 PMID: 25741868, with internal and published modifications).